The following is an entry in ClinVar:

ClinVar aggregate classification (germline): Likely benign. Review status: criteria provided, multiple submitters, no conflicts (2 of 4 stars). 3 submissions from 3 submitters: Likely benign (2). 1 of the submissions does not count toward it. Last evaluated 2026-01-12.

Conditions:
RAI1-related disorder. Also called: RAI1-related condition.

gnomAD v4.1: 78 of 1,613,948 alleles (0.0048%); highest among the groups gnomAD compares: Non-Finnish European, 0.0063%; no homozygotes.

Submissions (3):

Labcorp Genetics (formerly Invitae), Labcorp
Classification: Likely benign. Last evaluated: 2026-01-12. Review status: criteria provided, single submitter. Criteria: Invitae Variant Classification Sherloc (09022015). Collection method: clinical testing. Allele origin: germline.

Blueprint Genetics
Classification: Likely benign. Last evaluated: 2024-07-16. Review status: criteria provided, single submitter. Criteria: ACMG Guidelines, 2015. Collection method: clinical testing. Allele origin: germline.

PreventionGenetics, part of Exact Sciences
Classification: Likely benign for RAI1-related condition. Last evaluated: 2021-04-20. Review status: no assertion criteria provided. Collection method: clinical testing. Allele origin: germline. Not counted in ClinVar's aggregate classification.
Comment: This variant is classified as likely benign based on ACMG/AMP sequence variant interpretation guidelines (Richards et al. 2015 PMID: 25741868, with internal and published modifications).

NM_030665.4(RAI1):c.4818G>T (p.Ala1606=)

Gene: RAI1 (retinoic acid induced 1; plus strand). Cytogenetic location: 17p11.2.
Variant type: single nucleotide variant.
Coding change: c.4818G>T on transcript NM_030665.4 (MANE Select); coding-DNA position 4818, G replaced by T.
Protein change: p.Ala1606=; no amino-acid change (alanine 1606 retained).
Molecular consequence: synonymous variant.
Genome position (GRCh38, 1-based): chr17:17,797,766, G>T. VCF-style: chr17-17797766-G-T. GRCh37 (hg19) VCF-style: chr17-17701080-G-T.
Other names: c.4818G>T (NM_030665.3).
Identifiers: ClinVar variation 1629874 (VCV001629874.11), dbSNP rs544133243, ClinGen allele CA8419035.